The following is an entry in ClinVar:

NM_018896.5(CACNA1G):c.3G>A (p.Met1Ile)

Genes: CACNA1G (calcium voltage-gated channel subunit alpha1 G; plus strand), CACNA1G-AS1 (CACNA1G antisense RNA 1; minus strand). Cytogenetic location: 17q21.33.
Variant type: single nucleotide variant.
Coding change: c.3G>A on transcript NM_018896.5 (MANE Select); coding-DNA position 3, G replaced by A.
Protein change: p.Met1Ile; changes the start codon (methionine 1).
Molecular consequence: missense variant, initiator codon variant. On other transcripts: non-coding transcript variant (5).
Genome position (GRCh38, 1-based): chr17:50,561,462, G>A. VCF-style: chr17-50561462-G-A. GRCh37 (hg19) VCF-style: chr17-48638823-G-A.
Other names: c.3G>A, p.Met1Ile (NM_001256324.2, NM_001256325.2, NM_001256326.2 and 24 more transcripts); short protein forms M1I.
Identifiers: ClinVar variation 4278792 (VCV004278792.1).

ClinVar aggregate classification (germline): Uncertain significance (1 of 4 stars; one submission).

Submission:

GeneDx
Classification: Uncertain significance. Last evaluated: 2025-04-03. Review status: criteria provided, single submitter. Criteria: GeneDx Variant Classification Process June 2021. Collection method: clinical testing. Allele origin: germline. Affected: yes.
Comment: Not observed at significant frequency in large population cohorts (gnomAD); Has not been previously published as pathogenic or benign to our knowledge; Initiation codon variant in a gene for which loss-of-function is not an established mechanism of disease